The following is an entry in ClinVar:

NM_001211.6(BUB1B):c.2262A>T (p.Glu754Asp)

Gene: BUB1B (BUB1 mitotic checkpoint serine/threonine kinase B; plus strand). Cytogenetic location: 15q15.1.
Variant type: single nucleotide variant.
Coding change: c.2262A>T on transcript NM_001211.6 (MANE Select); coding-DNA position 2262, A replaced by T.
Protein change: p.Glu754Asp; replaces glutamic acid 754 with aspartic acid.
Molecular consequence: missense variant.
Genome position (GRCh38, 1-based): chr15:40,209,753, A>T. VCF-style: chr15-40209753-A-T. GRCh37 (hg19) VCF-style: chr15-40501954-A-T.
Other names: short protein forms E754D.
Identifiers: ClinVar variation 2585939 (VCV002585939.2), dbSNP rs889932075, ClinGen allele CA268800964.

ClinVar aggregate classification (germline): Uncertain significance (1 of 4 stars; one submission).

Conditions:
Inborn genetic diseases. Identifiers: MedGen C0950123, MeSH D030342.

Submission:

Ambry Genetics
Classification: Uncertain significance for Inborn genetic diseases. Last evaluated: 2023-09-14. Review status: criteria provided, single submitter. Criteria: Ambry Variant Classification Scheme 2023. Collection method: clinical testing. Allele origin: germline.
Comment: The p.E754D variant (also known as c.2262A>T), located in coding exon 17 of the BUB1B gene, results from an A to T substitution at nucleotide position 2262. The glutamic acid at codon 754 is replaced by aspartic acid, an amino acid with highly similar properties. This amino acid position is conserved. In addition, this alteration is predicted to be tolerated by in silico analysis. Since supporting evidence is limited at this time, the clinical significance of this alteration remains unclear.